The following is an entry in ClinVar:

NM_174936.4(PCSK9):c.1930G>A (p.Val644Ile)

Gene: PCSK9 (proprotein convertase subtilisin/kexin type 9; plus strand). Cytogenetic location: 1p32.3.
Variant type: single nucleotide variant.
Coding change: c.1930G>A on transcript NM_174936.4 (MANE Select); coding-DNA position 1930, G replaced by A.
Protein change: p.Val644Ile; replaces valine 644 with isoleucine.
Molecular consequence: missense variant.
Genome position (GRCh38, 1-based): chr1:55,063,435, G>A. VCF-style: chr1-55063435-G-A. GRCh37 (hg19) VCF-style: chr1-55529108-G-A.
Other names: p.Val644Ile; c.2053G>A, p.Val685Ile (NM_001407240.1); c.1972G>A, p.Val658Ile (NM_001407241.1); c.1933G>A, p.Val645Ile (NM_001407242.1); c.1873G>A, p.Val625Ile (NM_001407243.1); c.1756G>A, p.Val586Ile (NM_001407244.1); c.1738G>A, p.Val580Ile (NM_001407245.1); c.1555G>A, p.Val519Ile (NM_001407246.1); and 1 more; short protein forms V644I, V477I, V586I, V645I, V685I, V519I, V580I, V625I.
Identifiers: ClinVar variation 873657 (VCV000873657.30), dbSNP rs143291739, ClinGen allele CA039753.
Genomic context (GRCh38, chr1:55,063,435, plus strand): 5'-GTGGCCTGCGAGGAGGGCTGGACCCTGACTGGCTGCAGTGCCCTCCCTGGGACCTCCCAC[G>A]TCCTGGGGGCCTACGCCGTAGACAACACGTGTGTAGTCAGGAGCCGGGACGTCAGCACTA-3'
Protein context (NP_777596.2, residues 634-654): GCSALPGTSH[Val644Ile]LGAYAVDNTC

ClinVar aggregate classification (germline): Conflicting classifications of pathogenicity. Review status: criteria provided, conflicting classifications (1 of 4 stars). 9 submissions from 8 submitters: Uncertain significance (7); Likely benign (2). Last evaluated 2025-06-10.

Conditions:
Hypobetalipoproteinemia. Identifiers: Orphanet 31154, MedGen C0020597, MONDO:0017774.
Familial hypercholesterolemia. Also called: Familial hypercholesterolemias; Familial hypercholesterolaemia. Identifiers: MedGen C0020445, MONDO:0005439.
Cardiovascular phenotype. Identifiers: MedGen CN230736.
Hypercholesterolemia, autosomal dominant, 3 (FHCL3). Also called: PCSK9-Related Familial Hypercholesterolemia, Autosomal Dominant; Familial Hypercholesterolemia, Autosomal Dominant, 3; Familial hypercholesterolemia 3. Identifiers: MedGen C1863551, MONDO:0011369, OMIM 603776.

Allele frequency attached by ClinVar (database versions not stated): ExAC 0.00004; gnomAD 0.00005 and 0.00007; gnomAD exomes 0.00005; TOPMed 0.00006; ESP Exome Variant Server 0.00008; 1000 Genomes Project 30x 0.00031; 1000 Genomes Project 0.00040.

Submissions (9):

Mayo Clinic Laboratories, Mayo Clinic
Classification: Likely benign. Last evaluated: 2025-06-10. Review status: criteria provided, single submitter. Criteria: ACMG Guidelines, 2015. Collection method: clinical testing. Allele origin: germline. Observed: 1 variant allele.
Comment: BS1, BP4_moderate

CeGaT Center for Human Genetics Tuebingen
Classification: Likely benign. Last evaluated: 2025-05-01. Review status: criteria provided, single submitter. Criteria: CeGaT Center For Human Genetics Tuebingen Variant Classification Criteria Version 2. Collection method: clinical testing. Allele origin: germline. Affected: yes. Observed: 1 variant allele.
Comment: PCSK9: BP4

GeneDx
Classification: Uncertain significance. Last evaluated: 2024-12-26. Review status: criteria provided, single submitter. Criteria: GeneDx Variant Classification Process June 2021. Collection method: clinical testing. Allele origin: germline. Affected: yes.
Comment: In silico analysis indicates that this missense variant does not alter protein structure/function; This variant is associated with the following publications: (PMID: 29728531, 17316651, 31491741)

All of Us Research Program, National Institutes of Health
Classification: Uncertain significance for Hypercholesterolemia, autosomal dominant, 3. Last evaluated: 2024-02-05. Review status: criteria provided, single submitter. Criteria: ACMG Guidelines, 2015. Collection method: clinical testing. Allele origin: germline. Inheritance: Autosomal dominant inheritance. Observed: 10 variant alleles, 10 heterozygotes.
Comment: This missense variant replaces valine with isoleucine at codon 644 of the PCSK9 protein. Computational prediction suggests that this variant may not impact protein structure and function (internally defined REVEL score threshold <= 0.5, PMID: 27666373). A functional study has shown that the variant increased PCSK9 proteolytic activity (PMID: 29728531). However, clinical relevance of this observation is not clear. This variant has been reported in 6 individuals affected with familial hypercholesterolemia (PMID: 31491741). This variant has been reported in both the low LDL-C (low-density lipoprotein cholesterol) and high LDL-C groups in general Japanese population (PMID: 17316651). This variant has also been identified in 13/280978 chromosomes in the general population by the Genome Aggregation Database (gnomAD). The available evidence is insufficient to determine the role of this variant in disease conclusively. Therefore, this variant is classified as a Variant of Uncertain Significance.

This study involves interpretation of variants in research participants for the purpose of population health screening. Participant phenotype was not available at the time of variant classification. Additional details can be found in publication PMID: 35346344, PMCID: PMC8962531

Color Diagnostics, LLC DBA Color Health
Classification: Uncertain significance for Familial hypercholesterolemia. Last evaluated: 2023-11-30. Review status: criteria provided, single submitter. Criteria: ACMG Guidelines, 2015. Collection method: clinical testing. Allele origin: germline.
Comment: This missense variant replaces valine with isoleucine at codon 644 of the PCSK9 protein. Computational prediction tools indicate that this variant has a neutral impact on protein structure and function. A functional study has shown that the variant increased PCSK9 proteolytic activity (PMID: 29728531). However, clinical relevance of this observation is not clear. This variant has been reported in at least 6 individuals affected with familial hypercholesterolemia (PMID: 31491741). This variant has been reported in both the low LDL-C (low-density lipoprotein cholesterol) and high LDL-C groups in the general Japanese population (PMID: 17316651). This variant has been identified in 13/280978 chromosomes in the general population by the Genome Aggregation Database (gnomAD). The available evidence is insufficient to determine the role of this variant in disease conclusively. Therefore, this variant is classified as a Variant of Uncertain Significance.

Ambry Genetics
Classification: Uncertain significance for Cardiovascular phenotype. Last evaluated: 2023-01-25. Review status: criteria provided, single submitter. Criteria: Ambry Variant Classification Scheme 2023. Collection method: clinical testing. Allele origin: germline.
Comment: The p.V644I variant (also known as c.1930G>A), located in coding exon 12 of the PCSK9 gene, results from a G to A substitution at nucleotide position 1930. The valine at codon 644 is replaced by isoleucine, an amino acid with highly similar properties. This amino acid position is poorly conserved in available vertebrate species. In addition, this alteration is predicted to be tolerated by in silico analysis. Since supporting evidence is limited at this time, the clinical significance of this alteration remains unclear.

Labcorp Genetics (formerly Invitae), Labcorp
Classification: Uncertain significance for Hypercholesterolemia, autosomal dominant, 3. Last evaluated: 2021-08-26. Review status: criteria provided, single submitter. Criteria: Invitae Variant Classification Sherloc (09022015). Collection method: clinical testing. Allele origin: germline.
Comment: This sequence change replaces valine with isoleucine at codon 644 of the PCSK9 protein (p.Val644Ile). The valine residue is weakly conserved and there is a small physicochemical difference between valine and isoleucine. This variant is present in population databases (rs143291739, ExAC 0.02%). This variant has not been reported in the literature in individuals affected with PCSK9-related conditions. ClinVar contains an entry for this variant (Variation ID: 873657). Algorithms developed to predict the effect of missense changes on protein structure and function output the following: SIFT: "Tolerated"; PolyPhen-2: "Benign"; Align-GVGD: "Class C0". The isoleucine amino acid residue is found in multiple mammalian species, which suggests that this missense change does not adversely affect protein function. In summary, the available evidence is currently insufficient to determine the role of this variant in disease. Therefore, it has been classified as a Variant of Uncertain Significance.

Illumina Laboratory Services, Illumina
Classification: Uncertain significance for Hypercholesterolemia, autosomal dominant, 3. Last evaluated: 2017-04-27. Review status: criteria provided, single submitter. Criteria: ICSL Variant Classification Criteria 13 December 2019. Collection method: clinical testing. Allele origin: germline.
Comment: This variant was observed as part of a predisposition screen in an ostensibly healthy population. A literature search was performed for the gene, cDNA change, and amino acid change (where applicable). Publications were found based on this search. However, the evidence from the literature, in combination with allele frequency data from public databases where available, was not sufficient to rule this variant in or out of causing disease. Therefore, this variant is classified as a variant of unknown significance.

Illumina Laboratory Services, Illumina
Classification: Uncertain significance for Hypobetalipoproteinemia. Last evaluated: 2017-04-27. Review status: criteria provided, single submitter. Criteria: ICSL Variant Classification Criteria 13 December 2019. Collection method: clinical testing. Allele origin: germline.
Comment: the same text as in the submission from Illumina Laboratory Services, Illumina above.

Literature cited by the submitters: PubMed 17316651 (cited by 3 submitters); PubMed 29728531 (cited by All of Us Research Program, National Institutes of Health and Color Diagnostics, LLC DBA Color Health); PubMed 31491741 (cited by All of Us Research Program, National Institutes of Health and Color Diagnostics, LLC DBA Color Health); PubMed 25744035 (cited by Illumina Laboratory Services, Illumina).